The following is an entry in ClinVar:

ClinVar aggregate classification (germline): Likely pathogenic (1 of 4 stars; one submission).

Conditions:
Deficiency of alpha-mannosidase (MANSA). Also called: Mannosidosis, alpha-, types I and II; LYSOSOMAL ALPHA-D-MANNOSIDASE DEFICIENCY; Alpha-Mannosidosis. Identifiers: Orphanet 61, MedGen C0024748, MONDO:0009561, OMIM 248500.

Submission:

Myriad Genetics, Inc.
Classification: Likely pathogenic for Deficiency of alpha-mannosidase. Last evaluated: 2022-03-14. Review status: criteria provided, single submitter. Criteria: Myriad Women's Health Autosomal Recessive and X-Linked Classification Criteria (2021). Collection method: clinical testing. Allele origin: unknown.
Comment: NM_000528.3(MAN2B1):c.1638delC(S547Afs*4) is expected to be pathogenic in the context of alpha-mannosidosis. This variant is predicted to lead to an abnormal or absent protein product due to the creation of a premature termination codon in MAN2B1, a gene where loss-of-function variants are known to be pathogenic. Please note: this variant was assessed in the context of healthy population screening.

NM_000528.4(MAN2B1):c.1638del (p.Ser547fs)

Gene: MAN2B1 (mannosidase alpha class 2B member 1; minus strand). Cytogenetic location: 19p13.13.
Variant type: Deletion.
Coding change: c.1638del on transcript NM_000528.4 (MANE Select); coding-DNA position 1638, one base deleted (C; older notation c.1638delC).
Protein change: p.Ser547fs; shifts the reading frame from serine 547.
Molecular consequence: frameshift variant.
Genome position (GRCh38, 1-based): chr19:12,656,577, G deleted on the plus strand (C on the coding strand, the reverse complement: MAN2B1 is on the minus strand); the first of 3 consecutive G bases (chr19:12,656,577-12,656,579); deleting any one gives the same sequence. VCF-style (leftmost placement, unchanged base first): chr19-12656576-TG-T. GRCh37 (hg19) VCF-style: chr19-12767390-TG-T.
Other names: c.1635del, p.Ser546fs (NM_001173498.2); short protein forms S546fs, S547fs.
Identifiers: ClinVar variation 1725195 (VCV001725195.2), dbSNP rs2512499121, ClinGen allele CA2580096486.